The following is an entry in ClinVar:

ClinVar aggregate classification (germline): Likely benign. Review status: criteria provided, multiple submitters, no conflicts (2 of 4 stars). 2 submissions from 2 submitters: Likely benign (2). Last evaluated 2024-09-17.

Allele frequency attached by ClinVar (database versions not stated): gnomAD 0.00015 and 0.00017; 1000 Genomes Project 30x 0.00016; 1000 Genomes Project 0.00020; TOPMed 0.00022; ExAC 0.00027; gnomAD exomes 0.00028 and 0.00035; ESP Exome Variant Server 0.00034.
gnomAD v4.1: 532 of 1,611,768 alleles (0.033%); highest among the groups gnomAD compares: Middle Eastern, 0.17%; 2 homozygotes.

Submissions (2):

Blueprint Genetics
Classification: Likely benign. Last evaluated: 2024-09-17. Review status: criteria provided, single submitter. Criteria: ACMG Guidelines, 2015. Collection method: clinical testing. Allele origin: germline.

CeGaT Center for Human Genetics Tuebingen
Classification: Likely benign. Last evaluated: 2022-03-01. Review status: criteria provided, single submitter. Criteria: CeGaT Center For Human Genetics Tuebingen Variant Classification Criteria Version 2. Collection method: clinical testing. Allele origin: germline. Affected: yes. Observed: 2 variant alleles.
Comment: ZNF292: BP4, BP7

NM_015021.3(ZNF292):c.5211A>G (p.Thr1737=)

Gene: ZNF292 (zinc finger protein 292; plus strand). Cytogenetic location: 6q14.3.
Variant type: single nucleotide variant.
Coding change: c.5211A>G on transcript NM_015021.3 (MANE Select); coding-DNA position 5211, A replaced by G.
Protein change: p.Thr1737=; no amino-acid change (threonine 1737 retained).
Molecular consequence: synonymous variant.
Genome position (GRCh38, 1-based): chr6:87,258,840, A>G. VCF-style: chr6-87258840-A-G. GRCh37 (hg19) VCF-style: chr6-87968558-A-G.
Other names: c.4791A>G, p.Thr1597= (NM_001351444.2).
Identifiers: ClinVar variation 1335635 (VCV001335635.36), dbSNP rs201719507, ClinGen allele CA3914448.